The following is an entry in ClinVar:

ClinVar aggregate classification (germline): Uncertain significance. Review status: criteria provided, multiple submitters, no conflicts (2 of 4 stars). 2 submissions from 2 submitters: Uncertain significance (2). Last evaluated 2023-08-15.

Conditions:
Spastic paraplegia. Identifiers: MedGen C0037772, HP:0001258.

Allele frequency attached by ClinVar (database versions not stated): TOPMed 0.00002; gnomAD 0.00003.
gnomAD v4.1: 19 of 1,595,930 alleles (0.0012%); highest among the groups gnomAD compares: African/African-American, 0.0067%; no homozygotes.

Submissions (2):

Blueprint Genetics
Classification: Uncertain significance. Last evaluated: 2023-08-15. Review status: criteria provided, single submitter. Criteria: ACMG Guidelines, 2015. Collection method: clinical testing. Allele origin: germline.

Labcorp Genetics (formerly Invitae), Labcorp
Classification: Uncertain significance for Spastic paraplegia. Last evaluated: 2023-06-24. Review status: criteria provided, single submitter. Criteria: Invitae Variant Classification Sherloc (09022015). Collection method: clinical testing. Allele origin: germline.
Comment: In summary, the available evidence is currently insufficient to determine the role of this variant in disease. Therefore, it has been classified as a Variant of Uncertain Significance. Advanced modeling of protein sequence and biophysical properties (such as structural, functional, and spatial information, amino acid conservation, physicochemical variation, residue mobility, and thermodynamic stability) has been performed at Invitae for this missense variant, however the output from this modeling did not meet the statistical confidence thresholds required to predict the impact of this variant on GJC2 protein function. This variant has not been reported in the literature in individuals affected with GJC2-related conditions. The frequency data for this variant in the population databases is considered unreliable, as metrics indicate poor data quality at this position in the gnomAD database. This sequence change replaces arginine, which is basic and polar, with histidine, which is basic and polar, at codon 203 of the GJC2 protein (p.Arg203His).

NM_020435.4(GJC2):c.608G>A (p.Arg203His)

Gene: GJC2 (gap junction protein gamma 2; plus strand). Cytogenetic location: 1q42.13.
Variant type: single nucleotide variant.
Coding change: c.608G>A on transcript NM_020435.4 (MANE Select); coding-DNA position 608, G replaced by A.
Protein change: p.Arg203His; replaces arginine 203 with histidine.
Molecular consequence: missense variant.
Genome position (GRCh38, 1-based): chr1:228,158,366, G>A. VCF-style: chr1-228158366-G-A. GRCh37 (hg19) VCF-style: chr1-228346067-G-A.
Other names: short protein forms R203H.
Identifiers: ClinVar variation 2718933 (VCV002718933.4), dbSNP rs759815259, ClinGen allele CA1430889.